The following is an entry in ClinVar:

ClinVar aggregate classification (germline): Pathogenic. Review status: criteria provided, multiple submitters, no conflicts (2 of 4 stars). 2 submissions from 2 submitters: Pathogenic (2). Last evaluated 2026-06-18.

Conditions:
LPL-related disorder. Also called: LPL-related condition.

gnomAD v4.1: 10 of 1,614,086 alleles (0.00062%); highest among the groups gnomAD compares: Middle Eastern, 0.016%; no homozygotes.

Submissions (2):

PreventionGenetics, part of Exact Sciences
Classification: Pathogenic for LPL-related condition. Last evaluated: 2026-06-18. Review status: criteria provided, single submitter. Criteria: ACMG Guidelines, 2015. Collection method: clinical testing. Allele origin: germline.
Comment: The LPL c.655C>T variant is predicted to result in premature protein termination (p.Arg219*). This variant was reported in the heterozygous state in an individual with diabetes mellitus, obesity and severe hypertriglyceridemia (Zhang et al. 1997. PubMed ID: 9404225) and has also been reported in two large cohort studies of patients with hypertriglyceridemia (Rodrigues et al. 2015. PubMed ID: 27055971; Table S2, Deshotels et al. 2022. PubMed ID: 36325899). This variant has not been reported in a large population database (gnomAD), indicating this variant is rare. Nonsense variants in LPL are expected to be pathogenic. This variant is interpreted as pathogenic.

Labcorp Genetics (formerly Invitae), Labcorp
Classification: Pathogenic. Last evaluated: 2025-02-16. Review status: criteria provided, single submitter. Criteria: Invitae Variant Classification Sherloc (09022015). Collection method: clinical testing. Allele origin: germline.
Comment: This sequence change creates a premature translational stop signal (p.Arg219*) in the LPL gene. It is expected to result in an absent or disrupted protein product. Loss-of-function variants in LPL are known to be pathogenic (PMID: 11334614). This variant is not present in population databases (gnomAD no frequency). This premature translational stop signal has been observed in individual(s) with hypertriglyceridemia (PMID: 9404225). This variant is also known as C829T, Arg192Ter. For these reasons, this variant has been classified as Pathogenic.

Literature cited by the submitters: PubMed 11334614 (cited by Labcorp Genetics (formerly Invitae), Labcorp); PubMed 9404225 (cited by Labcorp Genetics (formerly Invitae), Labcorp).

NM_000237.3(LPL):c.655C>T (p.Arg219Ter)

Gene: LPL (lipoprotein lipase; plus strand). Cytogenetic location: 8p21.3.
Variant type: single nucleotide variant.
Coding change: c.655C>T on transcript NM_000237.3 (MANE Select); coding-DNA position 655, C replaced by T.
Protein change: p.Arg219Ter; replaces arginine 219 with a stop codon.
Molecular consequence: nonsense.
Genome position (GRCh38, 1-based): chr8:19,954,233, C>T. VCF-style: chr8-19954233-C-T. GRCh37 (hg19) VCF-style: chr8-19811744-C-T.
Other names: c.655C>T (NM_000237.2); short protein forms R219*.
Identifiers: ClinVar variation 3720801 (VCV003720801.3).
Genomic context (GRCh38, chr8:19,954,233, plus strand): 5'-TCTCCTGATGATGCAGATTTTGTAGACGTCTTACACACATTCACCAGAGGGTCCCCTGGT[C>T]GAAGCATTGGAATCCAGAAACCAGTTGGGCATGTTGACATTTACCCGAATGGAGGTACTT-3'